The following is an entry in ClinVar:

ClinVar aggregate classification (germline): Uncertain significance (1 of 4 stars; one submission).

Conditions:
Early Myoclonic Encephalopathy. Identifiers: MedGen C0270855.

gnomAD v4.1: 20 of 1,614,056 alleles (0.0012%); highest among the groups gnomAD compares: Non-Finnish European, 0.0016%; no homozygotes.

Submission:

Labcorp Genetics (formerly Invitae), Labcorp
Classification: Uncertain significance for Early Myoclonic Encephalopathy. Last evaluated: 2024-06-28. Review status: criteria provided, single submitter. Criteria: Invitae Variant Classification Sherloc (09022015). Collection method: clinical testing. Allele origin: germline.
Comment: This sequence change replaces lysine, which is basic and polar, with isoleucine, which is neutral and non-polar, at codon 297 of the JMJD1C protein (p.Lys297Ile). This variant is present in population databases (no rsID available, gnomAD 0.002%). This variant has not been reported in the literature in individuals affected with JMJD1C-related conditions. An algorithm developed to predict the effect of missense changes on protein structure and function (PolyPhen-2) suggests that this variant is likely to be disruptive. In summary, the available evidence is currently insufficient to determine the role of this variant in disease. Therefore, it has been classified as a Variant of Uncertain Significance.

NM_032776.3(JMJD1C):c.890A>T (p.Lys297Ile)

Gene: JMJD1C (jumonji domain containing 1C; minus strand). Cytogenetic location: 10q21.3.
Variant type: single nucleotide variant.
Coding change: c.890A>T on transcript NM_032776.3 (MANE Select); coding-DNA position 890, A replaced by T.
Protein change: p.Lys297Ile; replaces lysine 297 with isoleucine.
Molecular consequence: missense variant. On other transcripts: non-coding transcript variant (1).
Genome position (GRCh38, 1-based): chr10:63,215,388, T>A on the plus strand (A>T on the coding strand, the complement: JMJD1C is on the minus strand). VCF-style: chr10-63215388-T-A. GRCh37 (hg19) VCF-style: chr10-64975148-T-A.
Other names: c.344A>T, p.Lys115Ile (NM_001282948.2, NM_001318154.2); c.26A>T, p.Lys9Ile (NM_001318153.2); c.776A>T, p.Lys259Ile (NM_001322252.2); c.233A>T, p.Lys78Ile (NM_001322254.2, NM_001322258.2); short protein forms K259I, K297I, K78I, K115I, K9I.
Identifiers: ClinVar variation 3730812 (VCV003730812.2).
Genomic context (GRCh38, chr10:63,215,388, plus strand): 5'-GAGCCCTTCCTCTTATTTGGACGGATACTTCTTTGTTGCTGTTGCTGGTGTGTATTCTGT[T>A]TTGGTACAGCAGCTTGGGAGTTCATTGCTGGTCTGGGACTATTTGCTTGGGCACGTGTAT-3'
Protein context (NP_116165.1, residues 287-307): PAMNSQAAVP[Lys297Ile]QNTHQQQQQR